The following is an entry in ClinVar:

ClinVar aggregate classification (germline): Uncertain significance. Review status: criteria provided, multiple submitters, no conflicts (2 of 4 stars). 2 submissions from 2 submitters: Uncertain significance (2). Last evaluated 2025-10-30.

Conditions:
Inborn genetic diseases. Identifiers: MedGen C0950123, MeSH D030342.
Congenital myasthenic syndrome 8. Also called: Myasthenic syndrome, congenital, 8, with pre- and postsynaptic defects; MYASTHENIC SYNDROME, CONGENITAL, DUE TO AGRIN DEFICIENCY. Identifiers: Orphanet 590, MedGen C3808739, MONDO:0014052, OMIM 615120.

Allele frequency attached by ClinVar (database versions not stated): gnomAD 0.00002 and 0.00003; TOPMed 0.00003; gnomAD exomes 0.00002; ExAC 0.00003.
gnomAD v4.1: 52 of 1,581,646 alleles (0.0033%); highest among the groups gnomAD compares: Non-Finnish European, 0.0041%; 1 homozygote.

Submissions (2):

Ambry Genetics
Classification: Uncertain significance for Inborn genetic diseases. Last evaluated: 2025-10-30. Review status: criteria provided, single submitter. Criteria: Ambry Variant Classification Scheme 2023. Collection method: clinical testing. Allele origin: germline.

Labcorp Genetics (formerly Invitae), Labcorp
Classification: Uncertain significance for Congenital myasthenic syndrome 8. Last evaluated: 2022-10-25. Review status: criteria provided, single submitter. Criteria: Invitae Variant Classification Sherloc (09022015). Collection method: clinical testing. Allele origin: germline.
Comment: This sequence change replaces proline, which is neutral and non-polar, with leucine, which is neutral and non-polar, at codon 1753 of the AGRN protein (p.Pro1753Leu). The frequency data for this variant in the population databases is considered unreliable, as metrics indicate poor data quality at this position in the gnomAD database. This variant has not been reported in the literature in individuals affected with AGRN-related conditions. ClinVar contains an entry for this variant (Variation ID: 474147). Algorithms developed to predict the effect of missense changes on protein structure and function are either unavailable or do not agree on the potential impact of this missense change (SIFT: "Deleterious"; PolyPhen-2: "Benign"; Align-GVGD: "Class C0"). In summary, the available evidence is currently insufficient to determine the role of this variant in disease. Therefore, it has been classified as a Variant of Uncertain Significance.

NM_198576.4(AGRN):c.5258C>T (p.Pro1753Leu)

Gene: AGRN (agrin; plus strand). Cytogenetic location: 1p36.33.
Variant type: single nucleotide variant.
Coding change: c.5258C>T on transcript NM_198576.4 (MANE Select); coding-DNA position 5258, C replaced by T.
Protein change: p.Pro1753Leu; replaces proline 1753 with leucine.
Molecular consequence: missense variant.
Genome position (GRCh38, 1-based): chr1:1,051,257, C>T. VCF-style: chr1-1051257-C-T. GRCh37 (hg19) VCF-style: chr1-986637-C-T.
Other names: c.5270C>T, p.Pro1757Leu (NM_001305275.2); c.4955C>T, p.Pro1652Leu (NM_001364727.2); short protein forms P1753L, P1652L, P1757L.
Identifiers: ClinVar variation 474147 (VCV000474147.7), dbSNP rs748126752, ClinGen allele CA509972.
Genomic context (GRCh38, chr1:1,051,257, plus strand): 5'-CCTGGGTCTGCACCGTGGGTGGGCTCTGCACAGCCACTTACCTGGCGTCCCCGCAGGTTC[C>T]GCACACCGTCCTCAACCTGAAGGAGCCGCTCTACGTAGGGGGCGCTCCCGACTTCAGCAA-3'
Protein context (NP_940978.2, residues 1743-1763): GPRVLGESPV[Pro1753Leu]HTVLNLKEPL